The following is an entry in ClinVar:

ClinVar aggregate classification (germline): Uncertain significance. Review status: criteria provided, multiple submitters, no conflicts (2 of 4 stars). 4 submissions from 4 submitters: Uncertain significance (3). 1 of the submissions does not count toward it. Last evaluated 2024-10-23.

Conditions:
OTOG-related disorder. Also called: OTOG-related condition.

Allele frequency attached by ClinVar (database versions not stated): ExAC 0.00007; gnomAD exomes 0.00019 and 0.00041; TOPMed 0.00023; gnomAD 0.00024.
gnomAD v4.1: 612 of 1,550,338 alleles (0.039%); highest among the groups gnomAD compares: Non-Finnish European, 0.051%; 1 homozygote.

Submissions (4):

Blueprint Genetics
Classification: Uncertain significance. Last evaluated: 2024-10-23. Review status: criteria provided, single submitter. Criteria: ACMG Guidelines, 2015. Collection method: clinical testing. Allele origin: germline.

Labcorp Genetics (formerly Invitae), Labcorp
Classification: Uncertain significance. Last evaluated: 2022-10-25. Review status: criteria provided, single submitter. Criteria: Invitae Variant Classification Sherloc (09022015). Collection method: clinical testing. Allele origin: germline.
Comment: In summary, the available evidence is currently insufficient to determine the role of this variant in disease. Therefore, it has been classified as a Variant of Uncertain Significance. Algorithms developed to predict the effect of missense changes on protein structure and function are either unavailable or do not agree on the potential impact of this missense change (SIFT: "Deleterious"; PolyPhen-2: "Probably Damaging"; Align-GVGD: "Class C0"). ClinVar contains an entry for this variant (Variation ID: 1179662). This variant has not been reported in the literature in individuals affected with OTOG-related conditions. This variant is present in population databases (rs528655967, gnomAD 0.05%). This sequence change replaces cysteine, which is neutral and slightly polar, with tryptophan, which is neutral and slightly polar, at codon 2638 of the OTOG protein (p.Cys2638Trp).

GeneDx
Classification: Uncertain significance. Last evaluated: 2022-05-17. Review status: criteria provided, single submitter. Criteria: GeneDx Variant Classification Process June 2021. Collection method: clinical testing. Allele origin: germline. Affected: yes.
Comment: In silico analysis supports that this missense variant has a deleterious effect on protein structure/function; Has not been previously published as pathogenic or benign to our knowledge

PreventionGenetics, part of Exact Sciences
Classification: Uncertain significance for OTOG-related condition. Last evaluated: 2024-01-10. Review status: no assertion criteria provided. Collection method: clinical testing. Allele origin: germline. Not counted in ClinVar's aggregate classification.
Comment: The OTOG c.7914C>G variant is predicted to result in the amino acid substitution p.Cys2638Trp. To our knowledge, this variant has not been reported in the literature. This variant is reported in 0.046% of alleles in individuals of European (Non-Finnish) descent in gnomAD. At this time, the clinical significance of this variant is uncertain due to the absence of conclusive functional and genetic evidence.

NM_001292063.2(OTOG):c.7878C>G (p.Cys2626Trp)

Gene: OTOG (otogelin; plus strand). Cytogenetic location: 11p15.1.
Variant type: single nucleotide variant.
Coding change: c.7878C>G on transcript NM_001292063.2 (MANE Select); coding-DNA position 7878, C replaced by G.
Protein change: p.Cys2626Trp; replaces cysteine 2626 with tryptophan.
Molecular consequence: missense variant.
Genome position (GRCh38, 1-based): chr11:17,638,533, C>G. VCF-style: chr11-17638533-C-G. GRCh37 (hg19) VCF-style: chr11-17660080-C-G.
Other names: c.7914C>G, p.Cys2638Trp (NM_001277269.2); short protein forms C2626W, C2638W.
Identifiers: ClinVar variation 1179662 (VCV001179662.10), dbSNP rs528655967, ClinGen allele CA5906182.